The following is an entry in ClinVar:

NM_001903.5(CTNNA1):c.907C>T (p.Pro303Ser)

Gene: CTNNA1 (catenin alpha 1; plus strand). Cytogenetic location: 5q31.2.
Variant type: single nucleotide variant.
Coding change: c.907C>T on transcript NM_001903.5 (MANE Select); coding-DNA position 907, C replaced by T.
Protein change: p.Pro303Ser; replaces proline 303 with serine.
Molecular consequence: missense variant.
Genome position (GRCh38, 1-based): chr5:138,827,563, C>T. VCF-style: chr5-138827563-C-T. GRCh37 (hg19) VCF-style: chr5-138163252-C-T.
Other names: c.907C>T, p.Pro303Ser (NM_001290307.3, NM_001323982.2, NM_001323983.1 and 3 more transcripts); c.598C>T, p.Pro200Ser (NM_001290309.3); c.538C>T, p.Pro180Ser (NM_001290310.3); short protein forms P180S, P200S, P303S.
Identifiers: ClinVar variation 1765698 (VCV001765698.2), dbSNP rs2149785596, ClinGen allele CA361130797.

ClinVar aggregate classification (germline): Uncertain significance (1 of 4 stars; one submission).

Conditions:
Hereditary cancer-predisposing syndrome. Also called: Neoplastic Syndromes, Hereditary; Tumor predisposition; Hereditary Cancer Syndrome; Hereditary neoplastic syndrome. Identifiers: Orphanet 140162, MedGen C0027672, MeSH D009386, MONDO:0015356.

Submission:

Ambry Genetics
Classification: Uncertain significance for Hereditary cancer-predisposing syndrome. Last evaluated: 2022-07-01. Review status: criteria provided, single submitter. Criteria: Ambry Variant Classification Scheme 2023. Collection method: clinical testing. Allele origin: germline.
Comment: The p.P303S variant (also known as c.907C>T), located in coding exon 6 of the CTNNA1 gene, results from a C to T substitution at nucleotide position 907. The proline at codon 303 is replaced by serine, an amino acid with similar properties. This amino acid position is conserved. In addition, the in silico prediction for this alteration is inconclusive. Since supporting evidence is limited at this time, the clinical significance of this alteration remains unclear.